The following is an entry in ClinVar:

NM_205768.3(ZBTB18):c.1591A>G (p.Lys531Glu)

Gene: ZBTB18 (zinc finger and BTB domain containing 18; plus strand). Cytogenetic location: 1q44.
Variant type: single nucleotide variant.
Coding change: c.1591A>G on transcript NM_205768.3 (MANE Select); coding-DNA position 1591, A replaced by G.
Protein change: p.Lys531Glu; replaces lysine 531 with glutamic acid.
Molecular consequence: missense variant. On other transcripts: 3 prime UTR variant (1).
Genome position (GRCh38, 1-based): chr1:244,055,365, A>G. VCF-style: chr1-244055365-A-G. GRCh37 (hg19) VCF-style: chr1-244218667-A-G.
Other names: c.1564A>G, p.Lys522Glu (NM_001278196.2, NM_006352.5); c.*768A>G (NM_001421566.1); short protein forms K522E, K531E.
Identifiers: ClinVar variation 3390681 (VCV003390681.1).
Genomic context (GRCh38, chr1:244,055,365, plus strand): 5'-GCACTGAGCTTGCCTACTGTCAGAGACTGGACCTTAGAAGATAGCTCTCAAGAACTTTGG[A>G]AATAATTTTATATATATATAAATAATATATATATATATACATATATATAAATAGATCTCT-3'
Protein context (NP_991331.1, residues 521-531): TLEDSSQELW[Lys531Glu]

ClinVar aggregate classification (germline): Uncertain significance (1 of 4 stars; one submission).

Submission:

GeneDx
Classification: Uncertain significance. Last evaluated: 2024-06-04. Review status: criteria provided, single submitter. Criteria: GeneDx Variant Classification Process June 2021. Collection method: clinical testing. Allele origin: germline. Affected: yes.
Comment: Not observed at significant frequency in large population cohorts (gnomAD); In silico analysis indicates that this missense variant does not alter protein structure/function; Has not been previously published as pathogenic or benign to our knowledge